The following is an entry in ClinVar:

ClinVar aggregate classification (germline): Conflicting classifications of pathogenicity. Review status: criteria provided, conflicting classifications (1 of 4 stars). 5 submissions from 5 submitters: Uncertain significance (1); Likely benign (3). 1 of the submissions does not count toward it. Last evaluated 2025-11-24.

Conditions:
CHD7-related disorder. Also called: CHD7-related condition.
Inborn genetic diseases. Identifiers: MedGen C0950123, MeSH D030342.
CHARGE syndrome (CHARGE). Also called: Hittner Hirsch Kreh syndrome; Coloboma, heart anomaly, choanal atresia, retardation, genital and ear anomalies; CHARGE association; Hall-Hittner syndrome; CHARGE ASSOCIATION--COLOBOMA, HEART ANOMALY, CHOANAL ATRESIA, RETARDATION, GENITAL AND EAR ANOMALIES. Identifiers: Orphanet 138, MedGen C0265354, MONDO:0008965.

Allele frequency attached by ClinVar (database versions not stated): gnomAD exomes 0.00005; ExAC 0.00006; TOPMed 0.00009; gnomAD 0.00011 and 0.00012; 1000 Genomes Project 0.00020; 1000 Genomes Project 30x 0.00031.
gnomAD v4.1: 67 of 1,611,504 alleles (0.0042%); highest among the groups gnomAD compares: Admixed American, 0.027%; no homozygotes.

Submissions (5):

Labcorp Genetics (formerly Invitae), Labcorp
Classification: Likely benign for CHARGE syndrome. Last evaluated: 2025-11-24. Review status: criteria provided, single submitter. Criteria: Invitae Variant Classification Sherloc (09022015). Collection method: clinical testing. Allele origin: germline.

Ambry Genetics
Classification: Likely benign for Inborn genetic diseases. Last evaluated: 2024-06-15. Review status: criteria provided, single submitter. Criteria: Ambry Variant Classification Scheme 2023. Collection method: clinical testing. Allele origin: germline.

Blueprint Genetics
Classification: Likely benign. Last evaluated: 2021-07-06. Review status: criteria provided, single submitter. Criteria: ACMG Guidelines, 2015. Collection method: clinical testing. Allele origin: germline.

Eurofins Ntd Llc (ga)
Classification: Uncertain significance. Last evaluated: 2017-01-16. Review status: criteria provided, single submitter. Criteria: EGL Classification Definitions 2015. Collection method: clinical testing. Allele origin: germline. Observed: 1 variant allele, 1 heterozygote.

PreventionGenetics, part of Exact Sciences
Classification: Likely benign for CHD7-related condition. Last evaluated: 2019-03-20. Review status: no assertion criteria provided. Collection method: clinical testing. Allele origin: germline. Not counted in ClinVar's aggregate classification.
Comment: This variant is classified as likely benign based on ACMG/AMP sequence variant interpretation guidelines (Richards et al. 2015 PMID: 25741868, with internal and published modifications).

NM_017780.4(CHD7):c.8193C>T (p.Ala2731=)

Gene: CHD7 (chromodomain helicase DNA binding protein 7; plus strand). Cytogenetic location: 8q12.2.
Variant type: single nucleotide variant.
Coding change: c.8193C>T on transcript NM_017780.4 (MANE Select); coding-DNA position 8193, C replaced by T.
Protein change: p.Ala2731=; no amino-acid change (alanine 2731 retained).
Molecular consequence: synonymous variant.
Genome position (GRCh38, 1-based): chr8:60,865,132, C>T. VCF-style: chr8-60865132-C-T. GRCh37 (hg19) VCF-style: chr8-61777691-C-T.
Other names: c.2046C>T, p.Ala682= (NM_001316690.1); c.8193C>T (NM_017780.3).
Identifiers: ClinVar variation 498865 (VCV000498865.17), dbSNP rs534427466, ClinGen allele CA4760965.